The following is an entry in ClinVar:

ClinVar aggregate classification (germline): Uncertain significance. Review status: criteria provided, multiple submitters, no conflicts (2 of 4 stars). 2 submissions from 2 submitters: Uncertain significance (2). Last evaluated 2025-11-18.

Conditions:
Inborn genetic diseases. Identifiers: MedGen C0950123, MeSH D030342.

gnomAD v4.1: 13 of 1,536,076 alleles (0.00085%); highest among the groups gnomAD compares: East Asian, 0.015%; no homozygotes.

Submissions (2):

Labcorp Genetics (formerly Invitae), Labcorp
Classification: Uncertain significance. Last evaluated: 2025-11-18. Review status: criteria provided, single submitter. Criteria: Invitae Variant Classification Sherloc (09022015). Collection method: clinical testing. Allele origin: germline.
Comment: This sequence change replaces arginine, which is basic and polar, with glutamine, which is neutral and polar, at codon 56 of the ATP5D protein (p.Arg56Gln). The frequency data for this variant in the population databases is considered unreliable, as metrics indicate poor data quality at this position in the gnomAD database. This variant has not been reported in the literature in individuals affected with ATP5D-related conditions. ClinVar contains an entry for this variant (Variation ID: 3329341). An algorithm developed to predict the effect of missense changes on protein structure and function (PolyPhen-2) suggests that this variant is likely to be tolerated. In summary, the available evidence is currently insufficient to determine the role of this variant in disease. Therefore, it has been classified as a Variant of Uncertain Significance.

Ambry Genetics
Classification: Uncertain significance for Inborn genetic diseases. Last evaluated: 2024-05-14. Review status: criteria provided, single submitter. Criteria: Ambry Variant Classification Scheme 2023. Collection method: clinical testing. Allele origin: germline.

NM_001687.5(ATP5F1D):c.167G>A (p.Arg56Gln)

Gene: ATP5F1D (ATP synthase F1 subunit delta; plus strand). Cytogenetic location: 19p13.3.
Variant type: single nucleotide variant.
Coding change: c.167G>A on transcript NM_001687.5 (MANE Select); coding-DNA position 167, G replaced by A.
Protein change: p.Arg56Gln; replaces arginine 56 with glutamine.
Molecular consequence: missense variant.
Genome position (GRCh38, 1-based): chr19:1,242,481, G>A. VCF-style: chr19-1242481-G-A. GRCh37 (hg19) VCF-style: chr19-1242480-G-A.
Other names: c.167G>A, p.Arg56Gln (NM_001001975.2); short protein forms R56Q.
Identifiers: ClinVar variation 3329341 (VCV003329341.2).
Genomic context (GRCh38, chr19:1,242,481, plus strand): 5'-TGCCCCGCCATCATTCCCCACGCTGTTGTCTGCAGGTGTTCTTCAACGGTGCCAACGTCC[G>A]GCAGGTGGACGTGCCCACGCTGACCGGAGCCTTCGGCATCCTGGCGGCCCACGTGCCCAC-3'
Protein context (NP_001678.1, residues 46-66): TQVFFNGANV[Arg56Gln]QVDVPTLTGA